The following is an entry in ClinVar:

ClinVar aggregate classification (germline): Pathogenic (1 of 4 stars; one submission).

Conditions:
POLG-related disorder. Also called: POLG-Related Spectrum Disorders; POLG-related condition; POLG-Related Disorders. Identifiers: MedGen C4763519.

Submission:

Myriad Genetics, Inc.
Classification: Pathogenic for POLG-related disorder. Last evaluated: 2026-01-17. Review status: criteria provided, single submitter. Criteria: Myriad Autosomal Dominant, Autosomal Recessive and X-Linked Classification Criteria (2023). Collection method: clinical testing. Allele origin: unknown.
Comment: NM_002693.2(POLG):c.153delG(Q51Hfs*215) is expected to be pathogenic in the context of POLG-related disorders. This variant is predicted to lead to an abnormal or absent protein product due to the creation of a premature termination codon in POLG, a gene where loss-of-function variants are known to be pathogenic. Please note: this variant was assessed in the context of healthy population screening.

NM_002693.3(POLG):c.153del (p.Gln51fs)

Genes: POLG (DNA polymerase gamma, catalytic subunit; minus strand), POLGARF (POLG alternative reading frame; minus strand). Cytogenetic location: 15q26.1.
Variant type: Deletion.
Coding change: c.153del on transcript NM_002693.3 (MANE Select); coding-DNA position 153, one base deleted (G; older notation c.153delG).
Protein change: p.Gln51fs; shifts the reading frame from glutamine 51.
Molecular consequence: frameshift variant.
Genome position (GRCh38, 1-based): chr15:89,333,602, C deleted on the plus strand (G on the coding strand, the reverse complement: POLG is on the minus strand). VCF-style (leftmost placement, unchanged base first): chr15-89333601-GC-G. GRCh37 (hg19) VCF-style: chr15-89876832-GC-G.
Other names: c.208del, p.Ala70fs (NM_001430120.1); c.153del, p.Gln51fs (NM_001126131.2); short protein forms A70fs, Q51fs.
Identifiers: ClinVar variation 5015430 (VCV005015430.1).